The following is an entry in ClinVar:

ClinVar aggregate classification (germline): Benign. Review status: criteria provided, multiple submitters, no conflicts (2 of 4 stars). 6 submissions from 6 submitters: Benign (5). 1 of the submissions does not count toward it. Last evaluated 2026-01-28.

Conditions:
Maple syrup urine disease type 1A (MSUD1A). Also called: MSUD type 1A. Identifiers: MedGen C1855369, MONDO:0023691, OMIM 248600.
Maple syrup urine disease (MSUD). Identifiers: Orphanet 511, MedGen C0024776, MeSH D008375, MONDO:0009563. Disease mechanism: loss of function.

Submissions (6):

Labcorp Genetics (formerly Invitae), Labcorp
Classification: Benign for Maple syrup urine disease. Last evaluated: 2026-01-28. Review status: criteria provided, single submitter. Criteria: Invitae Variant Classification Sherloc (09022015). Collection method: clinical testing. Allele origin: germline.

ARUP Laboratories, Molecular Genetics and Genomics, ARUP Laboratories
Classification: Benign for Maple syrup urine disease type 1A. Last evaluated: 2023-11-29. Review status: criteria provided, single submitter. Criteria: ARUP Molecular Germline Variant Investigation Process 2024. Collection method: clinical testing. Allele origin: germline.

Genome-Nilou Lab
Classification: Benign for Maple syrup urine disease type 1A. Last evaluated: 2023-04-11. Review status: criteria provided, single submitter. Criteria: ACMG Guidelines, 2015. Collection method: clinical testing. Allele origin: germline. Affected: no.

GeneDx
Classification: Benign. Last evaluated: 2015-03-12. Review status: criteria provided, single submitter. Criteria: GeneDx Variant Classification (06012015). Collection method: clinical testing. Allele origin: germline. Affected: yes.
Comment: This variant is considered likely benign or benign based on one or more of the following criteria: it is a conservative change, it occurs at a poorly conserved position in the protein, it is predicted to be benign by multiple in silico algorithms, and/or has population frequency not consistent with disease.

Eurofins Ntd Llc (ga)
Classification: Benign. Last evaluated: 2014-02-10. Review status: criteria provided, single submitter. Criteria: EGL Classification Definitions 2015. Collection method: clinical testing. Allele origin: germline. Observed: 2 variant alleles, 2 homozygotes.

Natera, Inc.
Classification: Benign for Maple syrup urine disease. Last evaluated: 2020-09-16. Review status: no assertion criteria provided. Collection method: clinical testing. Allele origin: germline. Not counted in ClinVar's aggregate classification.

NM_001918.5(DBT):c.1210-4del

Gene: DBT (dihydrolipoamide branched chain transacylase E2; minus strand). Cytogenetic location: 1p21.2.
Variant type: Deletion.
Coding change: c.1210-4del on transcript NM_001918.5 (MANE Select); 4 bases into the intron before coding-DNA position 1210, one base deleted (A; older notation c.1210-4delA).
Molecular consequence: intron variant.
Genome position (GRCh38, 1-based): chr1:100,206,305, T deleted on the plus strand (A on the coding strand, the reverse complement: DBT is on the minus strand); the first of 6 consecutive T bases (chr1:100,206,305-100,206,310); deleting any one gives the same sequence. VCF-style (leftmost placement, unchanged base first): chr1-100206304-AT-A. GRCh37 (hg19) VCF-style: chr1-100671860-AT-A.
Other names: c.1210-4delA (NM_001918.4, NM_001918.2, NM_001918.3).
Identifiers: ClinVar variation 166981 (VCV000166981.27), dbSNP rs201117345, ClinGen allele CA295610.